The following is an entry in ClinVar:

ClinVar aggregate classification (germline): Pathogenic (1 of 4 stars; one submission).

Conditions:
Inborn genetic diseases. Identifiers: MedGen C0950123, MeSH D030342.

Submission:

Ambry Genetics
Classification: Pathogenic for Inborn genetic diseases. Last evaluated: 2025-10-22. Review status: criteria provided, single submitter. Criteria: Ambry Variant Classification Scheme 2023. Collection method: clinical testing. Allele origin: germline.
Comment: The c.403delC (p.G136Afs*188) alteration, located in exon 4 (coding exon 3) of the ZBTB20 gene, consists of a deletion of one nucleotide at position 403, causing a translational frameshift with a predicted alternate stop codon after 188 amino acids. This alteration is expected to result in loss of function by premature protein truncation or nonsense-mediated mRNA decay. for ZBTB20-related neurodevelopmental disorder; however, its clinical significance for Primrose syndrome is uncertain. This variant was not reported in population-based cohorts in the Genome Aggregation Database (gnomAD). Based on the available evidence, this alteration is classified as pathogenic.

NM_001348800.3(ZBTB20):c.403del (p.Gly136fs)

Gene: ZBTB20 (zinc finger and BTB domain containing 20; minus strand). Cytogenetic location: 3q13.31.
Variant type: Deletion.
Coding change: c.403del on transcript NM_001348800.3 (MANE Select); coding-DNA position 403, one base deleted (C; older notation c.403delC).
Protein change: p.Gly136fs; shifts the reading frame from glycine 136.
Molecular consequence: frameshift variant.
Genome position (GRCh38, 1-based): chr3:114,351,675, G deleted on the plus strand (C on the coding strand, the reverse complement: ZBTB20 is on the minus strand). VCF-style (leftmost placement, unchanged base first): chr3-114351674-AG-A. GRCh37 (hg19) VCF-style: chr3-114070521-AG-A.
Other names: c.403del, p.Gly136fs (NM_001164342.2, NM_001348803.3, NM_001393393.1 and 1 more transcripts); c.184del, p.Gly63fs (NM_001164343.2, NM_001164344.4, NM_001164345.4 and 9 more transcripts); short protein forms G63fs, G136fs.
Identifiers: ClinVar variation 4634986 (VCV004634986.1).